The following is an entry in ClinVar:

NM_002292.4(LAMB2):c.1552G>A (p.Gly518Ser)

Gene: LAMB2 (laminin subunit beta 2; minus strand). Cytogenetic location: 3p21.31.
Variant type: single nucleotide variant.
Coding change: c.1552G>A on transcript NM_002292.4 (MANE Select); coding-DNA position 1552, G replaced by A.
Protein change: p.Gly518Ser; replaces glycine 518 with serine.
Molecular consequence: missense variant.
Genome position (GRCh38, 1-based): chr3:49,129,291, C>T on the plus strand (G>A on the coding strand, the complement: LAMB2 is on the minus strand). VCF-style: chr3-49129291-C-T. GRCh37 (hg19) VCF-style: chr3-49166724-C-T.
Other names: short protein forms G518S.
Identifiers: ClinVar variation 1057914 (VCV001057914.6), dbSNP rs567153631, ClinGen allele CA2394561.

ClinVar aggregate classification (germline): Uncertain significance. Review status: criteria provided, multiple submitters, no conflicts (2 of 4 stars). 2 submissions from 2 submitters: Uncertain significance (2). Last evaluated 2024-03-08.

Conditions:
Pierson syndrome. Also called: MICROCORIA-CONGENITAL NEPHROTIC SYNDROME. Identifiers: Orphanet 2670, MedGen C1836876, MONDO:0012184, OMIM 609049.
LAMB2-related infantile-onset nephrotic syndrome. Also called: Nephrotic Syndrome, type 5; NEPHROTIC SYNDROME, TYPE 5, WITHOUT OCULAR ABNORMALITIES; NEPHROTIC SYNDROME, TYPE 5, WITH OCULAR ABNORMALITIES. Identifiers: Orphanet 306507, MedGen C3280113, MONDO:0013621, OMIM 614199.

Allele frequency attached by ClinVar (database versions not stated): gnomAD exomes below 0.00001 and 0.00001; ExAC 0.00002; gnomAD 0.00004 and 0.00005; 1000 Genomes Project 30x 0.00016; 1000 Genomes Project 0.00020.
gnomAD v4.1: 14 of 1,613,456 alleles (0.00087%); highest among the groups gnomAD compares: African/African-American, 0.015%; no homozygotes.

Submissions (2):

Fulgent Genetics
Classification: Uncertain significance for Pierson syndrome; LAMB2-related infantile-onset nephrotic syndrome. Last evaluated: 2024-03-08. Review status: criteria provided, single submitter. Criteria: ACMG Guidelines, 2015. Collection method: clinical testing. Allele origin: germline.

Labcorp Genetics (formerly Invitae), Labcorp
Classification: Uncertain significance for LAMB2-related infantile-onset nephrotic syndrome; Pierson syndrome. Last evaluated: 2020-01-24. Review status: criteria provided, single submitter. Criteria: Invitae Variant Classification Sherloc (09022015). Collection method: clinical testing. Allele origin: germline.
Comment: This variant is present in population databases (rs567153631, ExAC 0.01%). In summary, the available evidence is currently insufficient to determine the role of this variant in disease. Therefore, it has been classified as a Variant of Uncertain Significance. Algorithms developed to predict the effect of sequence changes on RNA splicing suggest that this variant may create or strengthen a splice site, but this prediction has not been confirmed by published transcriptional studies. Algorithms developed to predict the effect of missense changes on protein structure and function are either unavailable or do not agree on the potential impact of this missense change (SIFT: "Deleterious"; PolyPhen-2: "Probably Damaging"; Align-GVGD: "Class C0"). This variant has not been reported in the literature in individuals with LAMB2-related conditions. This sequence change replaces glycine with serine at codon 518 of the LAMB2 protein (p.Gly518Ser). The glycine residue is highly conserved and there is a small physicochemical difference between glycine and serine.